The following is an entry in ClinVar:

NM_001164586.2(IGFN1):c.7713dup (p.Leu2572fs)

Gene: IGFN1 (immunoglobulin like and fibronectin type III domain containing 1; plus strand). Cytogenetic location: 1q32.1.
Variant type: Duplication.
Coding change: c.7713dup on transcript NM_001164586.2 (MANE Select); coding-DNA position 7713, one base duplicated (G; older notation c.7713dupG).
Protein change: p.Leu2572fs; shifts the reading frame from leucine 2572.
Molecular consequence: frameshift variant. On other transcripts: intron variant (1).
Genome position (GRCh38, 1-based): chr1:201,212,606, G duplicated; the last of 7 consecutive G bases (chr1:201,212,600-201,212,606); duplicating any one gives the same sequence. VCF-style (leftmost placement, unchanged base first): chr1-201212599-A-AG. GRCh37 (hg19) VCF-style: chr1-201181727-A-AG.
Other names: c.1242-900dup (NM_001367841.1); short protein forms L2572fs.
Identifiers: ClinVar variation 3256995 (VCV003256995.17).
Genomic context (GRCh38, chr1:201,212,599, plus strand): 5'-ATGAACGGGACATCTGGAAAGCAGGCCCAGGAATGACAGACAGGGGTAGAGTTGCTGGCC[A>AG]GGGGGGGTTGGCATCTCAGGGAGGTGGGGACTCACTTTTGGGAGGCAGAAGGGTAGGCTC-3'

ClinVar aggregate classification (germline): Likely benign (1 of 4 stars; one submission).

Submission:

CeGaT Center for Human Genetics Tuebingen
Classification: Likely benign. Last evaluated: 2024-07-01. Review status: criteria provided, single submitter. Criteria: CeGaT Center For Human Genetics Tuebingen Variant Classification Criteria Version 2. Collection method: clinical testing. Allele origin: germline. Affected: yes. Observed: 1 variant allele.
Comment: IGFN1: BS1